The following is an entry in ClinVar:

ClinVar aggregate classification (germline): Uncertain significance (1 of 4 stars; one submission).

Submission:

GeneDx
Classification: Uncertain significance. Last evaluated: 2019-04-16. Review status: criteria provided, single submitter. Criteria: GeneDx Variant Classification Process June 2021. Collection method: clinical testing. Allele origin: germline. Affected: yes.
Comment: Not observed in large population cohorts (Lek et al., 2016); In silico analysis, which includes protein predictors and evolutionary conservation, supports that this variant does not alter protein structure/function; Has not been previously published as pathogenic or benign to our knowledge

NM_007254.4(PNKP):c.68T>G (p.Phe23Cys)

Gene: PNKP (polynucleotide kinase 3'-phosphatase; minus strand). Cytogenetic location: 19q13.33.
Variant type: single nucleotide variant.
Coding change: c.68T>G on transcript NM_007254.4 (MANE Select); coding-DNA position 68, T replaced by G.
Protein change: p.Phe23Cys; replaces phenylalanine 23 with cysteine.
Molecular consequence: missense variant.
Genome position (GRCh38, 1-based): chr19:49,867,137, A>C on the plus strand (T>G on the coding strand, the complement: PNKP is on the minus strand). VCF-style: chr19-49867137-A-C. GRCh37 (hg19) VCF-style: chr19-50370394-A-C.
Other names: short protein forms F23C.
Identifiers: ClinVar variation 1305216 (VCV001305216.2), dbSNP rs2122345011, ClinGen allele CA406893709.